The following is an entry in ClinVar:

NM_001264.5(CDSN):c.903C>T (p.Gly301=)

Genes: CDSN (corneodesmosin; minus strand), PSORS1C1 (psoriasis susceptibility 1 candidate 1; plus strand). Cytogenetic location: 6p21.33.
Variant type: single nucleotide variant.
Coding change: c.903C>T on transcript NM_001264.5 (MANE Select); coding-DNA position 903, C replaced by T.
Protein change: p.Gly301=; no amino-acid change (glycine 301 retained).
Molecular consequence: synonymous variant. On other transcripts: intron variant (1).
Genome position (GRCh38, 1-based): chr6:31,116,712, G>A on the plus strand (C>T on the coding strand, the complement: CDSN is on the minus strand). VCF-style: chr6-31116712-G-A. GRCh37 (hg19) VCF-style: chr6-31084489-G-A.
Other names: c.-229+1821G>A (NM_014068.3).
Identifiers: ClinVar variation 728286 (VCV000728286.12), dbSNP rs200639568, ClinGen allele CA3708407.

ClinVar aggregate classification (germline): Likely benign. Review status: criteria provided, multiple submitters, no conflicts (2 of 4 stars). 2 submissions from 2 submitters: Likely benign (2). Last evaluated 2026-03-01.

Allele frequency attached by ClinVar (database versions not stated): ExAC 0.00001; gnomAD exomes 0.00002 and 0.00007; gnomAD 0.00016 and 0.00017; TOPMed 0.00017.
gnomAD v4.1: 52 of 1,612,668 alleles (0.0032%); highest among the groups gnomAD compares: Admixed American, 0.085%; no homozygotes.

Submissions (2):

CeGaT Center for Human Genetics Tuebingen
Classification: Likely benign. Last evaluated: 2026-03-01. Review status: criteria provided, single submitter. Criteria: CeGaT Center For Human Genetics Tuebingen Variant Classification Criteria Version 2. Collection method: clinical testing. Allele origin: germline. Affected: yes. Observed: 1 variant allele.
Comment: CDSN: BP4, BP7

Labcorp Genetics (formerly Invitae), Labcorp
Classification: Likely benign. Last evaluated: 2025-08-21. Review status: criteria provided, single submitter. Criteria: Invitae Variant Classification Sherloc (09022015). Collection method: clinical testing. Allele origin: germline.